The following is an entry in ClinVar:

NM_020708.5(SLC12A5):c.3156G>A (p.Thr1052=)

Gene: SLC12A5 (solute carrier family 12 member 5; plus strand). Cytogenetic location: 20q13.12.
Variant type: single nucleotide variant.
Coding change: c.3156G>A on transcript NM_020708.5 (MANE Select); coding-DNA position 3156, G replaced by A.
Protein change: p.Thr1052=; no amino-acid change (threonine 1052 retained).
Molecular consequence: synonymous variant.
Genome position (GRCh38, 1-based): chr20:46,057,200, G>A. VCF-style: chr20-46057200-G-A. GRCh37 (hg19) VCF-style: chr20-44685839-G-A.
Other names: c.3225G>A, p.Thr1075= (NM_001134771.2).
Identifiers: ClinVar variation 574030 (VCV000574030.15), dbSNP rs200558731, ClinGen allele CA9887832.

ClinVar aggregate classification (germline): Likely benign. Review status: criteria provided, multiple submitters, no conflicts (2 of 4 stars). 2 submissions from 2 submitters: Likely benign (2). Last evaluated 2026-01-01.

Conditions:
Developmental and epileptic encephalopathy, 34 (DEE34). Also called: Early infantile epileptic encephalopathy 34; SLC12A5-Related Epilepsy of Infancy with Migrating Focal Seizures. Identifiers: Orphanet 293181, MedGen C4225257, MONDO:0014718, OMIM 616645.

Allele frequency attached by ClinVar (database versions not stated): ExAC 0.00001.
gnomAD v4.1: 14 of 1,614,196 alleles (0.00087%); highest among the groups gnomAD compares: Admixed American, 0.018%; no homozygotes.

Submissions (2):

CeGaT Center for Human Genetics Tuebingen
Classification: Likely benign. Last evaluated: 2026-01-01. Review status: criteria provided, single submitter. Criteria: CeGaT Center For Human Genetics Tuebingen Variant Classification Criteria Version 2. Collection method: clinical testing. Allele origin: germline. Affected: yes. Observed: 1 variant allele.
Comment: SLC12A5: BP4, BP7

Labcorp Genetics (formerly Invitae), Labcorp
Classification: Likely benign for Developmental and epileptic encephalopathy, 34. Last evaluated: 2025-12-13. Review status: criteria provided, single submitter. Criteria: Invitae Variant Classification Sherloc (09022015). Collection method: clinical testing. Allele origin: germline.